The following is an entry in ClinVar:

NM_000094.4(COL7A1):c.5923G>T (p.Glu1975Ter)

Gene: COL7A1 (collagen type VII alpha 1 chain; minus strand). Cytogenetic location: 3p21.31.
Variant type: single nucleotide variant.
Coding change: c.5923G>T on transcript NM_000094.4 (MANE Select); coding-DNA position 5923, G replaced by T.
Protein change: p.Glu1975Ter; replaces glutamic acid 1975 with a stop codon.
Molecular consequence: nonsense.
Genome position (GRCh38, 1-based): chr3:48,575,682, C>A on the plus strand (G>T on the coding strand, the complement: COL7A1 is on the minus strand). VCF-style: chr3-48575682-C-A. GRCh37 (hg19) VCF-style: chr3-48613115-C-A.
Other names: short protein forms E1975*.
Identifiers: ClinVar variation 4817388 (VCV004817388.1).
Genomic context (GRCh38, chr3:48,575,682, plus strand): 5'-TCACCTCCTTGCCTGGGGGGCCCTGTTCGCCTGAGTCCCCCTTGGGGCCTCGACGCCGTT[C>A]GGGCACAGGCAGGAAGCTACCAGAGCTCTCATCCCAGGTCTCCACGATCTCCCGCAGGGC-3'

ClinVar aggregate classification (germline): Likely pathogenic (1 of 4 stars; one submission).

Conditions:
Epidermolysis bullosa dystrophica. Also called: Dystrophic epidermolysis bullosa, Hallopeau-Siemens type (formerly); Dystrophic epidermolysis bullosa. Identifiers: Orphanet 303, MedGen C0079294, MONDO:0006543.

Submission:

Natera, Inc.
Classification: Likely pathogenic for Dystrophic epidermolysis bullosa. Last evaluated: 2025-07-31. Review status: criteria provided, single submitter. Criteria: Natera Variant Classification Schema (03/2026). Collection method: clinical testing. Allele origin: germline.
Comment: The c.5923G>T variant in COL7A1 is a nonsense variant predicted to introduce a stop codon at amino acid 1975. This variant is expected to result in nonsense mediated decay, truncation, or a dysfunctional protein product. This variant is rare in the general population with a frequency below the threshold expected for the associated phenotype(s). Given the available evidence, this variant is classified as Likely Pathogenic.